The following is an entry in ClinVar:

ClinVar aggregate classification (germline): Uncertain significance (1 of 4 stars; one submission).

Conditions:
Adenylosuccinate lyase deficiency (ADSLD). Also called: ADSL DEFICIENCY. Identifiers: Orphanet 46, MedGen C0268126, MONDO:0007068, OMIM 103050.

Allele frequency attached by ClinVar (database versions not stated): TOPMed below 0.00001; gnomAD 0.00001.
gnomAD v4.1: 1 of 1,614,014 alleles (0.000062%); highest among the groups gnomAD compares: Admixed American, 0.0017%; no homozygotes.

Submission:

Labcorp Genetics (formerly Invitae), Labcorp
Classification: Uncertain significance for Adenylosuccinate lyase deficiency. Last evaluated: 2022-07-05. Review status: criteria provided, single submitter. Criteria: Invitae Variant Classification Sherloc (09022015). Collection method: clinical testing. Allele origin: germline.
Comment: ClinVar contains an entry for this variant (Variation ID: 1023518). In summary, the available evidence is currently insufficient to determine the role of this variant in disease. Therefore, it has been classified as a Variant of Uncertain Significance. Advanced modeling of protein sequence and biophysical properties (such as structural, functional, and spatial information, amino acid conservation, physicochemical variation, residue mobility, and thermodynamic stability) performed at Invitae indicates that this missense variant is expected to disrupt ADSL protein function. This variant has not been reported in the literature in individuals affected with ADSL-related conditions. This variant is not present in population databases (gnomAD no frequency). This sequence change replaces leucine, which is neutral and non-polar, with serine, which is neutral and polar, at codon 155 of the ADSL protein (p.Leu155Ser).

NM_000026.4(ADSL):c.464T>C (p.Leu155Ser)

Gene: ADSL (adenylosuccinate lyase; plus strand). Cytogenetic location: 22q13.1.
Variant type: single nucleotide variant.
Coding change: c.464T>C on transcript NM_000026.4 (MANE Select); coding-DNA position 464, T replaced by C.
Protein change: p.Leu155Ser; replaces leucine 155 with serine.
Molecular consequence: missense variant. On other transcripts: non-coding transcript variant (1).
Genome position (GRCh38, 1-based): chr22:40,354,309, T>C. VCF-style: chr22-40354309-T-C. GRCh37 (hg19) VCF-style: chr22-40750313-T-C.
Other names: c.464T>C, p.Leu155Ser (NM_001123378.3, NM_001363840.3); c.272T>C, p.Leu91Ser (NM_001317923.2); short protein forms L155S, L91S.
Identifiers: ClinVar variation 1023518 (VCV001023518.8), dbSNP rs2044467047, ClinGen allele CA411639139.
Genomic context (GRCh38, chr22:40,354,309, plus strand): 5'-TTGCCAGAGTGATCTCTCGGCTTGCCGACTTTGCTAAGGAACGAGCCAGTCTACCCACAT[T>C]AGGTTTCACACATTTCCAGTAAGTGATAAGATTACTTCTTGTTTATGTGCATATGGCTTT-3'
Protein context (NP_000017.1, residues 145-165): FAKERASLPT[Leu155Ser]GFTHFQPAQL